The following is an entry in ClinVar:

NM_000138.5(FBN1):c.7330+3_7330+6del

Gene: FBN1 (fibrillin 1; minus strand). Cytogenetic location: 15q21.1.
Variant type: Deletion.
Coding change: c.7330+3_7330+6del on transcript NM_000138.5 (MANE Select); bases 3 to 6 of the intron after coding-DNA position 7330, 4 bases deleted (AAGT; older notation c.7330+3_7330+6delAAGT).
Molecular consequence: splice donor variant.
Genome position (GRCh38, 1-based): chr15:48,425,733-48,425,736, ACTT deleted on the plus strand (AAGT on the coding strand, the reverse complement: FBN1 is on the minus strand); deleting any 4 consecutive bases within chr15:48,425,733-48,425,738 gives the same sequence; the c. name uses the placement nearest the transcript's 3' end. VCF-style (leftmost placement, unchanged base first): chr15-48425732-CACTT-C. GRCh37 (hg19) VCF-style: chr15-48717929-CACTT-C.
Other names: c.7330+3_7330+6delAAGT (NM_000138.4).
Identifiers: ClinVar variation 636961 (VCV000636961.9), dbSNP rs1597516325, ClinGen allele CA915946630.

ClinVar aggregate classification (germline): Likely pathogenic. Review status: reviewed by expert panel (3 of 4 stars). 4 submissions from 4 submitters: Likely pathogenic (1). 3 of the submissions do not count toward it. Last evaluated 2023-09-26.

Conditions:
Marfan syndrome (MFS). Also called: FBN1-Related Marfan Syndrome; Marfan syndrome type 1; Marfan's syndrome; Marfan syndrome, classic; MARFAN SYNDROME, TYPE I. Identifiers: Orphanet 284963, Orphanet 558, MedGen C0024796, MONDO:0007947, OMIM 154700.
Familial thoracic aortic aneurysm and aortic dissection (TAAD). Also called: Thoracic aortic aneurysms and dissections. Identifiers: Orphanet 91387, MedGen C4707243, MONDO:0019625.
FBN1-related disorder. Also called: FBN1-related disorders.

Submissions (4):

ClinGen FBN1 Variant Curation Expert Panel, ClinGen
Classification: Likely pathogenic for Marfan syndrome. Last evaluated: 2023-09-26. Review status: reviewed by expert panel. Criteria: Assertion Criteria VCEP FBN1 Version 1. Collection method: curation. Allele origin: germline. Inheritance: Autosomal dominant inheritance.
Comment: NM_000138.5 c.7330+3_7330+6del is an intronic variant that removes 4 nucleotides in a splice region. Computational prediction tools strongly suggest that this variant weakens or eliminates use of the canonical donor splice site in intron 58 (PP3). University of Tokyo). This variant has been reported in the literature and in ClinVar (Variation ID: 636961) in at least 4 unrelated individuals with clinical suspicion of Marfan syndrome (PS4_moderate; PMID: 19839986, GeneDx, Blueprint Genetics). In one of these cases, the variant was found to be de novo with confirmed parentage in an individual with skeletal features and striae, a non-specific phenotype with high genetic heterogeneity (PS2_supporting; GeneDx). In another family, this variant was found to segregate with features or a diagnosis of Marfan syndrome in 3 affected family members (PP1; GeneDx). This variant is not present in gnomAD (PM2_supporting). In summary, this variant meets criteria to be classified as likely pathogenic for Marfan syndrome based on the ACMG/AMP criteria applied, as specified by the ClinGen FBN1 VCEP: PS4_moderate, PS2_supporting, PM2_supporting, PP1, PP3, PP4).

Ambry Genetics
Classification: Likely pathogenic for Familial thoracic aortic aneurysm and aortic dissection. Last evaluated: 2026-06-03. Review status: criteria provided, single submitter. Criteria: Ambry Variant Classification Scheme 2023. Collection method: clinical testing. Allele origin: germline. Not counted in ClinVar's aggregate classification.
Comment: The c.7330+3_7330+6delAAGT intronic variant, located in intron 58 of the FBN1 gene, results from a deletion of 4 nucleotides within intron 58 of the FBN1 gene. This variant was reported in individual(s) with features consistent with Marfan syndrome and related fibrillinopathies; in at least one individual, it was determined to be de novo (Hung CC et al. Ann Hum Genet, 2009 Nov;73:559-67; Ambry internal data; external communication). This nucleotide region is not well conserved in available vertebrate species. In silico splice site analysis predicts that this alteration will weaken the native splice donor site and will result in the creation or strengthening of a novel splice donor site. This variant is considered to be rare based on population cohorts in the Genome Aggregation Database (gnomAD). Based on the majority of available evidence to date, this variant is likely to be pathogenic.

GeneDx
Classification: Pathogenic. Last evaluated: 2024-11-15. Review status: criteria provided, single submitter. Criteria: GeneDx Variant Classification Process June 2021. Collection method: clinical testing. Allele origin: germline. Affected: yes. Not counted in ClinVar's aggregate classification.
Comment: Not observed at significant frequency in large population cohorts (gnomAD); Intronic +5 splice site variant in a gene for which loss of function is a known mechanism of disease, and splice predictors support a deleterious effect; This variant is associated with the following publications: (PMID: 19839986)

Blueprint Genetics
Classification: Likely pathogenic for FBN1-related disorders. Last evaluated: 2019-09-18. Review status: criteria provided, single submitter. Criteria: ACMG Guidelines, 2015. Collection method: clinical testing. Allele origin: germline. Affected: yes. Observed: 3 variant alleles. Not counted in ClinVar's aggregate classification.

Literature cited by the submitters: PubMed 19839986 (cited by Ambry Genetics).